The following is an entry in ClinVar:

ClinVar aggregate classification (germline): Uncertain significance (1 of 4 stars; one submission).

Conditions:
Irido-corneo-trabecular dysgenesis (ASGD5). Also called: ANTERIOR SEGMENT DYSGENESIS 5. Identifiers: Orphanet 708, MedGen C0344559, MONDO:0011414, OMIM 604229, HP:0000659.

Submission:

3billion
Classification: Uncertain significance for Irido-corneo-trabecular dysgenesis. Last evaluated: 2024-09-28. Review status: criteria provided, single submitter. Criteria: ACMG Guidelines, 2015. Collection method: clinical testing. Allele origin: germline. Affected: yes.
Comment: The variant is not observed in the gnomAD v4.1.0 dataset. Predicted Consequence/Location: 5' UTR variant Therefore, this variant is classified as VUS according to the recommendation of ACMG/AMP guideline.

NM_001368894.2(PAX6):c.-137C>T

Gene: PAX6 (paired box 6; minus strand). Cytogenetic location: 11p13.
Variant type: single nucleotide variant.
Coding change: c.-137C>T on transcript NM_001368894.2 (MANE Select); 137 bases upstream of the start codon, C replaced by T.
Molecular consequence: 5 prime UTR variant. On other transcripts: missense variant (1), non-coding transcript variant (2).
Genome position (GRCh38, 1-based): chr11:31,810,836, G>A on the plus strand (C>T on the coding strand, the complement: PAX6 is on the minus strand). VCF-style: chr11-31810836-G-A. GRCh37 (hg19) VCF-style: chr11-31832384-G-A.
Other names: c.-137C>T (NM_000280.6, NM_001127612.3, NM_001258462.3 and 26 more transcripts); c.-414C>T (NM_001368904.2); c.-918C>T (NM_001368905.2); c.-276C>T (NM_001368909.2); c.-37C>T (NM_001368910.2); c.5C>T, p.Pro2Leu (NM_001368911.2); short protein forms P2L.
Identifiers: ClinVar variation 4292972 (VCV004292972.1).